The following is an entry in ClinVar:

NM_001458.5(FLNC):c.3944A>G (p.Gln1315Arg)

Gene: FLNC (filamin C; plus strand). Cytogenetic location: 7q32.1.
Variant type: single nucleotide variant.
Coding change: c.3944A>G on transcript NM_001458.5 (MANE Select); coding-DNA position 3944, A replaced by G.
Protein change: p.Gln1315Arg; replaces glutamine 1315 with arginine.
Molecular consequence: missense variant.
Genome position (GRCh38, 1-based): chr7:128,846,143, A>G. VCF-style: chr7-128846143-A-G. GRCh37 (hg19) VCF-style: chr7-128486197-A-G.
Other names: c.3944A>G, p.Gln1315Arg (NM_001127487.2); short protein forms Q1315R.
Identifiers: ClinVar variation 4076489 (VCV004076489.1), dbSNP rs1351615612.

ClinVar aggregate classification (germline): Uncertain significance (1 of 4 stars; one submission).

Conditions:
Cardiovascular phenotype. Identifiers: MedGen CN230736.

gnomAD v4.1: 1 of 1,613,980 alleles (0.000062%); highest among the groups gnomAD compares: East Asian, 0.0022%; no homozygotes.

Submission:

Molecular Diagnostic Laboratory for Inherited Cardiovascular Disease, Montreal Heart Institute
Classification: Uncertain significance for Cardiovascular phenotype. Last evaluated: 2025-07-24. Review status: criteria provided, single submitter. Criteria: ACMG Guidelines, 2015. Collection method: clinical testing. Allele origin: germline. Affected: yes.
Comment: PM2, BP5